The following is an entry in ClinVar:

ClinVar aggregate classification (germline): Conflicting classifications of pathogenicity. Review status: criteria provided, conflicting classifications (1 of 4 stars). 4 submissions from 4 submitters: Uncertain significance (2); Likely benign (1). 1 of the submissions does not count toward it. Last evaluated 2025-11-01.

Conditions:
Microcephaly-intellectual disability-sensorineural hearing loss-epilepsy-abnormal muscle tone syndrome (NEDHSB). Also called: NEURODEVELOPMENTAL DISORDER WITH HEARING LOSS, SEIZURES, AND BRAIN ABNORMALITIES. Identifiers: Orphanet 457351, MedGen C4225276, MONDO:0014698, OMIM 616577.
AFG2A-related disorder. Also called: AFG2A-related condition.

Allele frequency attached by ClinVar (database versions not stated): 1000 Genomes Project 30x 0.00016; 1000 Genomes Project 0.00020; gnomAD 0.00046 and 0.00049; TOPMed 0.00056; ESP Exome Variant Server 0.00062.
gnomAD v4.1: 151 of 1,613,964 alleles (0.0094%); highest among the groups gnomAD compares: African/African-American, 0.18%; no homozygotes.

Submissions (4):

Labcorp Genetics (formerly Invitae), Labcorp
Classification: Likely benign for Microcephaly-intellectual disability-sensorineural hearing loss-epilepsy-abnormal muscle tone syndrome. Last evaluated: 2025-11-01. Review status: criteria provided, single submitter. Criteria: Invitae Variant Classification Sherloc (09022015). Collection method: clinical testing. Allele origin: germline.

GeneDx
Classification: Uncertain significance. Last evaluated: 2022-01-03. Review status: criteria provided, single submitter. Criteria: GeneDx Variant Classification Process June 2021. Collection method: clinical testing. Allele origin: germline. Affected: yes.
Comment: In silico analysis supports that this missense variant has a deleterious effect on protein structure/function; Has not been previously published as pathogenic or benign to our knowledge

Dubai Health Genomic Medicine Center, Dubai Health
Classification: Uncertain significance for Microcephaly-intellectual disability-sensorineural hearing loss-epilepsy-abnormal muscle tone syndrome. Last evaluated: 2020-08-04. Review status: criteria provided, single submitter. Criteria: ACMG Guidelines, 2015. Collection method: clinical testing. Allele origin: germline. Affected: yes.

PreventionGenetics, part of Exact Sciences
Classification: Likely benign for AFG2A-related condition. Last evaluated: 2023-06-21. Review status: no assertion criteria provided. Collection method: clinical testing. Allele origin: germline. Not counted in ClinVar's aggregate classification.
Comment: This variant is classified as likely benign based on ACMG/AMP sequence variant interpretation guidelines (Richards et al. 2015 PMID: 25741868, with internal and published modifications).

NM_145207.3(AFG2A):c.1622C>G (p.Pro541Arg)

Gene: AFG2A (AAA ATPase AFG2A; plus strand). Cytogenetic location: 4q28.1.
Variant type: single nucleotide variant.
Coding change: c.1622C>G on transcript NM_145207.3 (MANE Select); coding-DNA position 1622, C replaced by G.
Protein change: p.Pro541Arg; replaces proline 541 with arginine.
Molecular consequence: missense variant.
Genome position (GRCh38, 1-based): chr4:122,947,396, C>G. VCF-style: chr4-122947396-C-G. GRCh37 (hg19) VCF-style: chr4-123868551-C-G.
Other names: c.1619C>G, p.Pro540Arg (NM_001317799.2, NM_001345856.2); short protein forms P541R, P540R.
Identifiers: ClinVar variation 475722 (VCV000475722.15), dbSNP rs143957561, ClinGen allele CA3070499.
Genomic context (GRCh38, chr4:122,947,396, plus strand): 5'-TTGGAGTTCCCAATGCTCAGGACCGGCTAGATATTCTCCAGAAACTGCTTCGAAGGGTAC[C>G]CCATTTGCTCACTGAGGCTGAGCTGCTGCAGCTGGCAAATAGTGCTCATGGATACGTTGG-3'
Protein context (NP_660208.2, residues 531-551): DILQKLLRRV[Pro541Arg]HLLTEAELLQ